The following is an entry in ClinVar:

ClinVar aggregate classification (germline): Pathogenic. Review status: criteria provided, multiple submitters, no conflicts (2 of 4 stars). 3 submissions from 3 submitters: Pathogenic (3). Last evaluated 2025-11-02.

Conditions:
Muscular dystrophy-dystroglycanopathy (congenital with brain and eye anomalies), type A1 (MDDGA1). Also called: COD-MD SYNDROME; Muscular dystrophy-dystroglycanopathy (congenital with brain and eye anomalies), type A, 1; WALKER-WARBURG SYNDROME OR MUSCLE-EYE-BRAIN DISEASE, POMT1-RELATED; Hydrocephalus, agyria and retinal dysplasia; Hard +/- E syndrome; Warburg syndrome. Identifiers: Orphanet 588, Orphanet 899, MedGen C4284790, MONDO:0009364, OMIM 236670.
Muscular dystrophy-dystroglycanopathy (congenital with impaired intellectual development), type B, 1. Also called: MUSCULAR DYSTROPHY, CONGENITAL, POMT1-RELATED; Muscular dystrophy-dystroglycanopathy (congenital with intellectual disability), type B1. Identifiers: MedGen C5436962, MONDO:0013159, OMIM 613155.
Autosomal recessive limb-girdle muscular dystrophy type 2K. Also called: MUSCULAR DYSTROPHY-DYSTROGLYCANOPATHY (LIMB-GIRDLE), TYPE C, 1; MUSCULAR DYSTROPHY, LIMB-GIRDLE, TYPE 2K. Identifiers: Orphanet 86812, MedGen C1836373, MONDO:0012248, OMIM 609308.
Walker-Warburg congenital muscular dystrophy. Also called: Muscular dystrophy-dystroglycanopathy, type A; Walker-Warburg syndrome. Identifiers: Orphanet 899, MedGen C0265221, MONDO:0000171.

Allele frequency attached by ClinVar (database versions not stated): gnomAD exomes 0.00001.

Submissions (3):

Labcorp Genetics (formerly Invitae), Labcorp
Classification: Pathogenic for Muscular dystrophy-dystroglycanopathy (congenital with impaired intellectual development), type B, 1; Walker-Warburg congenital muscular dystrophy; Autosomal recessive limb-girdle muscular dystrophy type 2K. Last evaluated: 2025-11-02. Review status: criteria provided, single submitter. Criteria: Invitae Variant Classification Sherloc (09022015). Collection method: clinical testing. Allele origin: germline.
Comment: This sequence change creates a premature translational stop signal (p.Ser97Argfs*26) in the POMT1 gene. It is expected to result in an absent or disrupted protein product. Loss-of-function variants in POMT1 are known to be pathogenic (PMID: 12369018, 15637732, 16575835). This variant is present in population databases (no rsID available, gnomAD 0.0009%). This premature translational stop signal has been observed in individual(s) with clinical features of POMT1-related conditions (PMID: 18640039). ClinVar contains an entry for this variant (Variation ID: 2677995). Algorithms developed to predict the effect of sequence changes on RNA splicing suggest that this variant may disrupt the consensus splice site. For these reasons, this variant has been classified as Pathogenic.

Fulgent Genetics
Classification: Pathogenic for Muscular dystrophy-dystroglycanopathy (congenital with brain and eye anomalies), type A1; Autosomal recessive limb-girdle muscular dystrophy type 2K; Muscular dystrophy-dystroglycanopathy (congenital with impaired intellectual development), type B, 1. Last evaluated: 2024-05-06. Review status: criteria provided, single submitter. Criteria: ACMG Guidelines, 2015. Collection method: clinical testing. Allele origin: germline.

Baylor Genetics
Classification: Pathogenic for Muscular dystrophy-dystroglycanopathy (congenital with brain and eye anomalies), type A1. Last evaluated: 2023-10-17. Review status: criteria provided, single submitter. Criteria: ACMG Guidelines, 2015. Collection method: clinical testing. Allele origin: unknown.

Literature cited by the submitters: PubMed 12369018 (cited by Labcorp Genetics (formerly Invitae), Labcorp); PubMed 15637732 (cited by Labcorp Genetics (formerly Invitae), Labcorp); PubMed 16575835 (cited by Labcorp Genetics (formerly Invitae), Labcorp); PubMed 18640039 (cited by Labcorp Genetics (formerly Invitae), Labcorp).

NM_001077365.2(POMT1):c.291del (p.Ser97fs)

Gene: POMT1 (protein O-mannosyltransferase 1; plus strand). Cytogenetic location: 9q34.13.
Variant type: Deletion.
Coding change: c.291del on transcript NM_001077365.2 (MANE Select); coding-DNA position 291, one base deleted (C; older notation c.291delC).
Protein change: p.Ser97fs; shifts the reading frame from serine 97.
Molecular consequence: frameshift variant. On other transcripts: 5 prime UTR variant (5), non-coding transcript variant (9), intron variant (3).
Genome position (GRCh38, 1-based): chr9:131,507,378, C deleted. VCF-style (leftmost placement, unchanged base first): chr9-131507377-GC-G. GRCh37 (hg19) VCF-style: chr9-134382764-GC-G.
Other names: c.-61del (NM_001353199.2, NM_001374691.1, NM_001374692.1 and 2 more transcripts); c.129del, p.Ser43fs (NM_001374689.1, NM_001374693.1, NM_001077366.2 and 3 more transcripts); c.291del, p.Ser97fs (NM_001374690.1, NM_007171.4, NM_001136113.2 and 1 more transcripts); c.-29-1533del (NM_001374695.1); c.-710+925del (NM_001411024.1); c.-30+925del (NM_001353200.2); c.291del (NM_007171.3); c.201del, p.Ser67fs (NM_001353196.2); short protein forms S43fs, S67fs, S97fs.
Identifiers: ClinVar variation 2677995 (VCV002677995.5), dbSNP rs1402329255, ClinGen allele CA590752136.